The following is an entry in ClinVar:

NM_001252024.2(TRPM1):c.118C>A (p.Pro40Thr)

Gene: TRPM1 (transient receptor potential cation channel subfamily M member 1; minus strand). Cytogenetic location: 15q13.3.
Variant type: single nucleotide variant.
Coding change: c.118C>A on transcript NM_001252024.2 (MANE Select); coding-DNA position 118, C replaced by A.
Protein change: p.Pro40Thr; replaces proline 40 with threonine.
Molecular consequence: missense variant.
Genome position (GRCh38, 1-based): chr15:31,070,192, G>T on the plus strand (C>A on the coding strand, the complement: TRPM1 is on the minus strand). VCF-style: chr15-31070192-G-T. GRCh37 (hg19) VCF-style: chr15-31362395-G-T.
Other names: c.169C>A, p.Pro57Thr (NM_001252020.2); c.52C>A, p.Pro18Thr (NM_001252030.2, NM_002420.6); short protein forms P18T, P57T, P40T.
Identifiers: ClinVar variation 1040296 (VCV001040296.9), dbSNP rs1263694685, ClinGen allele CA391537592.

ClinVar aggregate classification (germline): Uncertain significance (1 of 4 stars; one submission).

gnomAD v4.1: 5 of 1,613,932 alleles (0.00031%); highest among the groups gnomAD compares: South Asian, 0.0055%; no homozygotes.

Submission:

Labcorp Genetics (formerly Invitae), Labcorp
Classification: Uncertain significance. Last evaluated: 2020-02-18. Review status: criteria provided, single submitter. Criteria: Invitae Variant Classification Sherloc (09022015). Collection method: clinical testing. Allele origin: germline.
Comment: This variant has not been reported in the literature in individuals with TRPM1-related conditions. This sequence change replaces proline with threonine at codon 18 of the TRPM1 protein (p.Pro18Thr). The proline residue is moderately conserved and there is a small physicochemical difference between proline and threonine. This variant is not present in population databases (ExAC no frequency). Algorithms developed to predict the effect of missense changes on protein structure and function are either unavailable or do not agree on the potential impact of this missense change (SIFT: "Deleterious"; PolyPhen-2: "Benign"; Align-GVGD: "Class C0"). In summary, the available evidence is currently insufficient to determine the role of this variant in disease. Therefore, it has been classified as a Variant of Uncertain Significance.